The following is an entry in ClinVar:

ClinVar aggregate classification (germline): Likely pathogenic (1 of 4 stars; one submission).

Conditions:
Primary ciliary dyskinesia 3. Identifiers: Orphanet 244, MedGen C1837618, MONDO:0012085, OMIM 608644.

Submission:

Myriad Genetics, Inc.
Classification: Likely pathogenic for Primary ciliary dyskinesia 3. Last evaluated: 2022-02-17. Review status: criteria provided, single submitter. Criteria: Myriad Women's Health Autosomal Recessive and X-Linked Classification Criteria (2021). Collection method: clinical testing. Allele origin: unknown.
Comment: NM_001369.2(DNAH5):c.10304_10306delATCinsTTCG(N3435Ifs*19) is expected to be pathogenic in the context of DNAH5-related primary ciliary dyskinesia. This variant is predicted to lead to an abnormal or absent protein product due to the creation of a premature termination codon in DNAH5, a gene where loss-of-function variants are known to be pathogenic. Please note: this variant was assessed in the context of healthy population screening.

NM_001369.3(DNAH5):c.10304_10306delinsTTCG (p.Asn3435fs)

Gene: DNAH5 (dynein axonemal heavy chain 5; minus strand). Cytogenetic location: 5p15.2.
Variant type: Indel.
Coding change: c.10304_10306delinsTTCG on transcript NM_001369.3 (MANE Select); coding-DNA positions 10304 to 10306, ATC replaced by TTCG.
Protein change: p.Asn3435fs; shifts the reading frame from asparagine 3435.
Molecular consequence: frameshift variant.
Genome position (GRCh38, 1-based): chr5:13,758,959-13,758,961, GAT replaced by CGAA on the plus strand (ATC replaced by TTCG on the coding strand, the reverse complement: DNAH5 is on the minus strand). VCF-style: chr5-13758959-GAT-CGAA. GRCh37 (hg19) VCF-style: chr5-13759068-GAT-CGAA.
Other names: short protein forms N3435fs.
Identifiers: ClinVar variation 1724509 (VCV001724509.2), dbSNP rs2546631182, ClinGen allele CA2580071995.